The following is an entry in ClinVar:

NM_012431.3(SEMA3E):c.1457A>T (p.Lys486Met)

Gene: SEMA3E (semaphorin 3E; minus strand). Cytogenetic location: 7q21.11.
Variant type: single nucleotide variant.
Coding change: c.1457A>T on transcript NM_012431.3 (MANE Select); coding-DNA position 1457, A replaced by T.
Protein change: p.Lys486Met; replaces lysine 486 with methionine.
Molecular consequence: missense variant.
Genome position (GRCh38, 1-based): chr7:83,396,639, T>A on the plus strand (A>T on the coding strand, the complement: SEMA3E is on the minus strand). VCF-style: chr7-83396639-T-A. GRCh37 (hg19) VCF-style: chr7-83025955-T-A.
Other names: c.1277A>T, p.Lys426Met (NM_001178129.2); short protein forms K426M, K486M.
Identifiers: ClinVar variation 999747 (VCV000999747.8), dbSNP rs1788128084, ClinGen allele CA367925057.

ClinVar aggregate classification (germline): Uncertain significance (1 of 4 stars; one submission).

Conditions:
CHARGE syndrome (CHARGE). Also called: Hittner Hirsch Kreh syndrome; Coloboma, heart anomaly, choanal atresia, retardation, genital and ear anomalies; CHARGE association; Hall-Hittner syndrome; CHARGE ASSOCIATION--COLOBOMA, HEART ANOMALY, CHOANAL ATRESIA, RETARDATION, GENITAL AND EAR ANOMALIES. Identifiers: Orphanet 138, MedGen C0265354, MONDO:0008965.

Allele frequency attached by ClinVar (database versions not stated): gnomAD exomes below 0.00001.
gnomAD v4.1: 1 of 1,590,946 alleles (0.000063%); highest among the groups gnomAD compares: Non-Finnish European, 0.000086%; no homozygotes.

Submission:

Labcorp Genetics (formerly Invitae), Labcorp
Classification: Uncertain significance for CHARGE syndrome. Last evaluated: 2020-03-18. Review status: criteria provided, single submitter. Criteria: Invitae Variant Classification Sherloc (09022015). Collection method: clinical testing. Allele origin: germline.
Comment: This sequence change replaces lysine with methionine at codon 486 of the SEMA3E protein (p.Lys486Met). The lysine residue is highly conserved and there is a moderate physicochemical difference between lysine and methionine. This variant is not present in population databases (ExAC no frequency). This variant has not been reported in the literature in individuals with SEMA3E-related conditions. Algorithms developed to predict the effect of missense changes on protein structure and function are either unavailable or do not agree on the potential impact of this missense change (SIFT: "Deleterious"; PolyPhen-2: "Probably Damaging"; Align-GVGD: "Class C0"). Algorithms developed to predict the effect of sequence changes on RNA splicing suggest that this variant may disrupt the consensus splice site, but this prediction has not been confirmed by published transcriptional studies. In summary, the available evidence is currently insufficient to determine the role of this variant in disease. Therefore, it has been classified as a Variant of Uncertain Significance.